The following is an entry in ClinVar:

NM_004341.5(CAD):c.3078G>A (p.Ala1026=)

Gene: CAD (carbamoyl-phosphate synthetase 2, aspartate transcarbamylase, and dihydroorotase; plus strand). Cytogenetic location: 2p23.3.
Variant type: single nucleotide variant.
Coding change: c.3078G>A on transcript NM_004341.5 (MANE Select); coding-DNA position 3078, G replaced by A.
Protein change: p.Ala1026=; no amino-acid change (alanine 1026 retained).
Molecular consequence: synonymous variant.
Genome position (GRCh38, 1-based): chr2:27,233,398, G>A. VCF-style: chr2-27233398-G-A. GRCh37 (hg19) VCF-style: chr2-27456266-G-A.
Other names: c.2889G>A, p.Ala963= (NM_001306079.2).
Identifiers: ClinVar variation 1943573 (VCV001943573.7), dbSNP rs200398980, ClinGen allele CA1573194.
Genomic context (GRCh38, chr2:27,233,398, plus strand): 5'-GAACCCTGAAGGTGTGATCCTATCCATGGGTGGACAGCTGCCCAACAACATGGCCATGGC[G>A]TTGCATCGGCAGCAGTGCCGGGTGCTGGGCACCTCCCCTGAAGCCATTGACTCGGCTGAG-3'
Protein context (NP_004332.2, residues 1016-1036): GGQLPNNMAM[Ala1026=]LHRQQCRVLG

ClinVar aggregate classification (germline): Likely benign. Review status: criteria provided, multiple submitters, no conflicts (2 of 4 stars). 2 submissions from 2 submitters: Likely benign (2). Last evaluated 2026-04-01.

Allele frequency attached by ClinVar (database versions not stated): TOPMed 0.00002; gnomAD 0.00003; ExAC 0.00005; ESP Exome Variant Server 0.00008; 1000 Genomes Project 30x 0.00016; 1000 Genomes Project 0.00020.
gnomAD v4.1: 113 of 1,614,216 alleles (0.007%); highest among the groups gnomAD compares: Middle Eastern, 0.016%; no homozygotes.

Submissions (2):

CeGaT Center for Human Genetics Tuebingen
Classification: Likely benign. Last evaluated: 2026-04-01. Review status: criteria provided, single submitter. Criteria: CeGaT Center For Human Genetics Tuebingen Variant Classification Criteria Version 2. Collection method: clinical testing. Allele origin: germline. Affected: yes. Observed: 1 variant allele.
Comment: CAD: BP4, BP7

Labcorp Genetics (formerly Invitae), Labcorp
Classification: Likely benign. Last evaluated: 2026-01-05. Review status: criteria provided, single submitter. Criteria: Invitae Variant Classification Sherloc (09022015). Collection method: clinical testing. Allele origin: germline.